The following is an entry in ClinVar:

NM_005861.4(STUB1):c.364A>T (p.Ser122Cys)

Gene: STUB1 (STIP1 homology and U-box containing protein 1; plus strand). Cytogenetic location: 16p13.3.
Variant type: single nucleotide variant.
Coding change: c.364A>T on transcript NM_005861.4 (MANE Select); coding-DNA position 364, A replaced by T.
Protein change: p.Ser122Cys; replaces serine 122 with cysteine.
Molecular consequence: missense variant.
Genome position (GRCh38, 1-based): chr16:681,443, A>T. VCF-style: chr16-681443-A-T. GRCh37 (hg19) VCF-style: chr16-731443-A-T.
Other names: c.148A>T, p.Ser50Cys (NM_001293197.2); short protein forms S122C, S50C.
Identifiers: ClinVar variation 3778619 (VCV003778619.7).

ClinVar aggregate classification (germline): Uncertain significance (1 of 4 stars; one submission).

gnomAD v4.1: 1 of 1,611,668 alleles (0.000062%); highest among the groups gnomAD compares: East Asian, 0.0022%; no homozygotes.

Submission:

CeGaT Center for Human Genetics Tuebingen
Classification: Uncertain significance. Last evaluated: 2025-04-01. Review status: criteria provided, single submitter. Criteria: CeGaT Center For Human Genetics Tuebingen Variant Classification Criteria Version 2. Collection method: clinical testing. Allele origin: germline. Affected: yes. Observed: 1 variant allele.
Comment: STUB1: PM2